The following is an entry in ClinVar:

NM_001384140.1(PCDH15):c.3502-8C>T

Gene: PCDH15 (protocadherin related 15; minus strand). Cytogenetic location: 10q21.1.
Variant type: single nucleotide variant.
Coding change: c.3502-8C>T on transcript NM_001384140.1 (MANE Select); 8 bases into the intron before coding-DNA position 3502, C replaced by T.
Molecular consequence: intron variant.
Genome position (GRCh38, 1-based): chr10:53,866,865, G>A on the plus strand (C>T on the coding strand, the complement: PCDH15 is on the minus strand). VCF-style: chr10-53866865-G-A. GRCh37 (hg19) VCF-style: chr10-55626625-G-A.
Other names: c.3502-8C>T (NM_001354420.2, NM_001354429.2, NM_001142772.2 and 4 more transcripts); c.3517-8C>T (NM_001142771.2, NM_001142763.2); c.3523-8C>T (NM_001354411.2); c.3538-8C>T (NM_001142769.3); c.3436-8C>T (NM_001354404.2, NM_001142773.2, NM_001142768.2); c.3391-8C>T (NM_001142767.2); c.3289-8C>T (NM_001142765.2).
Identifiers: ClinVar variation 46469 (VCV000046469.69), dbSNP rs184144118, ClinGen allele CA138416.
Genomic context (GRCh38, chr10:53,866,865, plus strand): 5'-ATTATGAGTCTGTAGGCCATGACACTATAATTGCCAGTATCTTTATCAGTAGCCTAGACG[G>A]AGGGGAAAAAAAAAGAGATTATAATTAAGCAGGAAAAGATAACCCTTATGAAATGGCTTA-3'

ClinVar aggregate classification (germline): Conflicting classifications of pathogenicity. Review status: criteria provided, conflicting classifications (1 of 4 stars). 13 submissions from 13 submitters: Uncertain significance (1); Benign (6); Likely benign (2). 4 of the submissions do not count toward it. Last evaluated 2026-09-01.

Conditions:
PCDH15-related disorder. Also called: PCDH15-related disorders; PCDH15-related condition.
Usher syndrome type 1 (USH1). Also called: RETINITIS PIGMENTOSA AND CONGENITAL DEAFNESS. Identifiers: Orphanet 231169, Orphanet 886, MedGen C1568247, MONDO:0010168, OMIM 276900.
Usher syndrome type 1F (USH1F). Also called: USHER SYNDROME, TYPE IF. Identifiers: Orphanet 231169, Orphanet 886, MedGen C1865885, MONDO:0011186, OMIM 602083.

Allele frequency attached by ClinVar (database versions not stated): 1000 Genomes Project 30x 0.00234; ExAC 0.00415; gnomAD 0.00400 and 0.00411; gnomAD exomes 0.00443; TOPMed 0.00447; ESP Exome Variant Server 0.00454; 1000 Genomes Project 0.00180.
gnomAD v4.1: 8,292 of 1,557,730 alleles (0.53%); highest among the groups gnomAD compares: Middle Eastern, 1.3%; 35 homozygotes.

Submissions (13):

CeGaT Center for Human Genetics Tuebingen
Classification: Likely benign. Last evaluated: 2026-09-01. Review status: criteria provided, single submitter. Criteria: CeGaT Center For Human Genetics Tuebingen Variant Classification Criteria Version 2. Collection method: clinical testing. Allele origin: germline. Affected: yes. Observed: 14 variant alleles.
Comment: PCDH15: BP4, BS2

Labcorp Genetics (formerly Invitae), Labcorp
Classification: Benign. Last evaluated: 2026-02-04. Review status: criteria provided, single submitter. Criteria: Invitae Variant Classification Sherloc (09022015). Collection method: clinical testing. Allele origin: germline.

Blueprint Genetics
Classification: Likely benign. Last evaluated: 2024-11-27. Review status: criteria provided, single submitter. Criteria: ACMG Guidelines, 2015. Collection method: clinical testing. Allele origin: germline.

Athena Diagnostics
Classification: Benign. Last evaluated: 2019-02-11. Review status: criteria provided, single submitter. Criteria: Athena Diagnostics Criteria. Collection method: clinical testing. Allele origin: germline.

GeneDx
Classification: Benign. Last evaluated: 2019-02-01. Review status: criteria provided, single submitter. Criteria: GeneDx Variant Classification Process June 2021. Collection method: clinical testing. Allele origin: germline. Affected: yes.

Women's Health and Genetics/Laboratory Corporation of America, LabCorp
Classification: Benign. Last evaluated: 2018-01-22. Review status: criteria provided, single submitter. Criteria: LabCorp Variant Classification Summary - May 2015. Collection method: clinical testing. Allele origin: germline.
Comment: Variant summary: The PCDH15 c.3502-8C>T variant involves the alteration of a non-conserved intronic nucleotide. One in silico tool predicts a benign outcome for this variant. 5/5 splice prediction tools predict no significant impact on normal splicing. However, these predictions have yet to be confirmed by functional studies. This variant was found in 1152/262912 control chromosomes (6 homozygotes), predominantly observed in the Ashkenazi Jewish subpopulation at a frequency of 0.008337 (83/9956). This frequency is about 3 times the estimated maximal expected allele frequency of a pathogenic PCDH15 variant (0.0031623), suggesting this is likely a benign polymorphism found primarily in the populations of Ashkenazi Jewish origin. The variant of interest has been reported in a study cohort of UK Usher patients, and was classified by authors as neutral (Le Quesne Stabej_2012). In addition, multiple clinical diagnostic laboratories/reputable databases classified this variant as benign. Taken together, this variant is classified as benign.

Illumina Laboratory Services, Illumina
Classification: Uncertain significance for Usher syndrome type 1. Last evaluated: 2018-01-13. Review status: criteria provided, single submitter. Criteria: ICSL Variant Classification Criteria 13 December 2019. Collection method: clinical testing. Allele origin: germline.

Eurofins Ntd Llc (ga)
Classification: Benign. Last evaluated: 2015-01-02. Review status: criteria provided, single submitter. Criteria: EGL Classification Definitions 2015. Collection method: clinical testing. Allele origin: germline. Observed: 2 variant alleles, 2 heterozygotes.

Laboratory for Molecular Medicine, Mass General Brigham Personalized Medicine
Classification: Benign. Last evaluated: 2012-04-30. Review status: criteria provided, single submitter. Criteria: LMM Criteria. Collection method: clinical testing. Allele origin: germline. Observed: 11 variant alleles.
Comment: 3502-8C>T in Intron 26 of PCDH15: This variant is not expected to have clinical significance because it has been identified in 0.7% (52/7020) of European Americ an chromosomes from a broad population by the NHLBI Exome Sequencing Project.

PreventionGenetics, part of Exact Sciences
Classification: Benign for PCDH15-related condition. Last evaluated: 2020-04-20. Review status: no assertion criteria provided. Collection method: clinical testing. Allele origin: germline. Not counted in ClinVar's aggregate classification.
Comment: This variant is classified as benign based on ACMG/AMP sequence variant interpretation guidelines (Richards et al. 2015 PMID: 25741868, with internal and published modifications).

Natera, Inc.
Classification: Benign for Usher syndrome type 1F. Last evaluated: 2019-10-21. Review status: no assertion criteria provided. Collection method: clinical testing. Allele origin: germline. Not counted in ClinVar's aggregate classification.

Clinical Genetics DNA and cytogenetics Diagnostics Lab, Erasmus MC, Erasmus Medical Center
Classification: Likely benign. Review status: no assertion criteria provided. Collection method: clinical testing. Allele origin: germline. Affected: yes. Study: VKGL Data-share Consensus. Not counted in ClinVar's aggregate classification.

Clinical Genetics, Academic Medical Center
Classification: Benign. Review status: no assertion criteria provided. Collection method: clinical testing. Allele origin: germline. Affected: yes. Study: VKGL Data-share Consensus. Not counted in ClinVar's aggregate classification.

Literature cited by the submitters: PubMed 22135276 (cited by Athena Diagnostics and Women's Health and Genetics/Laboratory Corporation of America, LabCorp).